The following is an entry in ClinVar:

NM_000204.5(CFI):c.1118G>A (p.Cys373Tyr)

Gene: CFI (complement factor I; minus strand). Cytogenetic location: 4q25.
Variant type: single nucleotide variant.
Coding change: c.1118G>A on transcript NM_000204.5 (MANE Select); coding-DNA position 1118, G replaced by A.
Protein change: p.Cys373Tyr; replaces cysteine 373 with tyrosine.
Molecular consequence: missense variant. On other transcripts: non-coding transcript variant (3).
Genome position (GRCh38, 1-based): chr4:109,749,248, C>T on the plus strand (G>A on the coding strand, the complement: CFI is on the minus strand). VCF-style: chr4-109749248-C-T. GRCh37 (hg19) VCF-style: chr4-110670404-C-T.
Other names: c.1142G>A, p.Cys381Tyr (NM_001318057.2, NM_001375278.1); c.1097G>A, p.Cys366Tyr (NM_001331035.2, NM_001375280.1, NM_001375282.1); c.1118G>A, p.Cys373Tyr (NM_001375279.1, NM_001375281.1); c.1061G>A, p.Cys354Tyr (NM_001375283.1); c.509G>A, p.Cys170Tyr (NM_001375284.1); short protein forms C366Y, C170Y, C354Y, C373Y, C381Y.
Identifiers: ClinVar variation 2800308 (VCV002800308.3), dbSNP rs1579173999, ClinGen allele CA357858725.

ClinVar aggregate classification (germline): Uncertain significance (1 of 4 stars; one submission).

gnomAD v4.1: 1 of 1,614,172 alleles (0.000062%); highest among the groups gnomAD compares: Non-Finnish European, 0.000085%; no homozygotes.

Submission:

Labcorp Genetics (formerly Invitae), Labcorp
Classification: Uncertain significance. Last evaluated: 2023-11-13. Review status: criteria provided, single submitter. Criteria: Invitae Variant Classification Sherloc (09022015). Collection method: clinical testing. Allele origin: germline.
Comment: This sequence change replaces cysteine, which is neutral and slightly polar, with tyrosine, which is neutral and polar, at codon 373 of the CFI protein (p.Cys373Tyr). This variant is not present in population databases (gnomAD no frequency). This variant has not been reported in the literature in individuals affected with CFI-related conditions. Advanced modeling of protein sequence and biophysical properties (such as structural, functional, and spatial information, amino acid conservation, physicochemical variation, residue mobility, and thermodynamic stability) performed at Invitae indicates that this missense variant is expected to disrupt CFI protein function with a positive predictive value of 80%. In summary, the available evidence is currently insufficient to determine the role of this variant in disease. Therefore, it has been classified as a Variant of Uncertain Significance.